The following is an entry in ClinVar:

NM_000088.4(COL1A1):c.2719A>T (p.Lys907Ter)

Gene: COL1A1 (collagen type I alpha 1 chain; minus strand). Cytogenetic location: 17q21.33.
Variant type: single nucleotide variant.
Coding change: c.2719A>T on transcript NM_000088.4 (MANE Select); coding-DNA position 2719, A replaced by T.
Protein change: p.Lys907Ter; replaces lysine 907 with a stop codon.
Molecular consequence: nonsense.
Genome position (GRCh38, 1-based): chr17:50,189,487, T>A on the plus strand (A>T on the coding strand, the complement: COL1A1 is on the minus strand). VCF-style: chr17-50189487-T-A. GRCh37 (hg19) VCF-style: chr17-48266848-T-A.
Other names: short protein forms K907*.
Identifiers: ClinVar variation 2771480 (VCV002771480.3), dbSNP rs2509184226, ClinGen allele CA400205877.

ClinVar aggregate classification (germline): Pathogenic (1 of 4 stars; one submission).

Conditions:
Osteogenesis imperfecta type I (OI1). Also called: Classic Non-deforming Osteogenesis Imperfecta with Blue Sclerae; OI, TYPE I; OSTEOGENESIS IMPERFECTA TARDA; OSTEOGENESIS IMPERFECTA WITH BLUE SCLERAE; Osteogenesis imperfecta type 1; Lobstein's Disease. Identifiers: Orphanet 216796, Orphanet 666, MedGen C0023931, MONDO:0008146, OMIM 166200. Disease mechanism: loss of function.

Submission:

Labcorp Genetics (formerly Invitae), Labcorp
Classification: Pathogenic for Osteogenesis imperfecta type I. Last evaluated: 2023-10-28. Review status: criteria provided, single submitter. Criteria: Invitae Variant Classification Sherloc (09022015). Collection method: clinical testing. Allele origin: germline.
Comment: This sequence change creates a premature translational stop signal (p.Lys907*) in the COL1A1 gene. It is expected to result in an absent or disrupted protein product. Loss-of-function variants in COL1A1 are known to be pathogenic (PMID: 7942841, 9295084, 9443882). This variant is not present in population databases (gnomAD no frequency). This variant has not been reported in the literature in individuals affected with COL1A1-related conditions. For these reasons, this variant has been classified as Pathogenic.

Literature cited by the submitters: PubMed 7942841; PubMed 9295084; PubMed 9443882.